The following is an entry in ClinVar:

NM_005502.4(ABCA1):c.*1440C>T

Genes: ABCA1 (ATP binding cassette subfamily A member 1; minus strand), NIPSNAP3B (nipsnap homolog 3B; plus strand). Cytogenetic location: 9q31.1.
Variant type: single nucleotide variant.
Coding change: c.*1440C>T on transcript NM_005502.4 (MANE Select); 1440 bases downstream of the stop codon, C replaced by T.
Molecular consequence: 3 prime UTR variant.
Genome position (GRCh38, 1-based): chr9:104,782,875, G>A on the plus strand (C>T on the coding strand, the complement: ABCA1 is on the minus strand). VCF-style: chr9-104782875-G-A. GRCh37 (hg19) VCF-style: chr9-107545156-G-A.
Identifiers: ClinVar variation 364351 (VCV000364351.8), dbSNP rs4149339, ClinGen allele CA10628657.

ClinVar aggregate classification (germline): Benign. Review status: criteria provided, multiple submitters, no conflicts (2 of 4 stars). 4 submissions from 3 submitters: Benign (4). Last evaluated 2021-05-08.

Conditions:
Hypoalphalipoproteinemia, primary, 1. Identifiers: Orphanet 425, MedGen C5231558, MONDO:0011393, OMIM 604091.
Tangier disease (TGD). Also called: HIGH DENSITY LIPOPROTEIN DEFICIENCY, TANGIER TYPE; HIGH DENSITY LIPOPROTEIN DEFICIENCY, TYPE 1; Cholesterol thesaurismosis. Identifiers: Orphanet 31150, MedGen C0039292, MONDO:0008783, OMIM 205400.

Allele frequency attached by ClinVar (database versions not stated): gnomAD exomes 0.30941; gnomAD 0.32445 and 0.33037; TOPMed 0.34043; 1000 Genomes Project 30x 0.43567; 1000 Genomes Project 0.44109.
gnomAD v4.1: 49,456 of 149,952 alleles (33%); highest among the groups gnomAD compares: East Asian, 76%; 8,824 homozygotes.

Submissions (4):

GeneDx
Classification: Benign. Last evaluated: 2021-05-08. Review status: criteria provided, single submitter. Criteria: GeneDx Variant Classification Process June 2021. Collection method: clinical testing. Allele origin: germline. Affected: yes.

Illumina Laboratory Services, Illumina
Classification: Benign for Hypoalphalipoproteinemia, primary, 1. Last evaluated: 2018-01-12. Review status: criteria provided, single submitter. Criteria: ICSL Variant Classification Criteria 13 December 2019. Collection method: clinical testing. Allele origin: germline.
Comment: This variant was observed in the ICSL laboratory as part of a predisposition screen in an ostensibly healthy population. It had not been previously curated by ICSL or reported in the Human Gene Mutation Database (HGMD: prior to June 1st, 2018), and was therefore a candidate for classification through an automated scoring system. Utilizing variant allele frequency, disease prevalence and penetrance estimates, and inheritance mode, an automated score was calculated to assess if this variant is too frequent to cause the disease. Based on the score and internal cut-off values, a variant classified as benign is not then subjected to further curation. The score for this variant resulted in a classification of benign for this disease.

Illumina Laboratory Services, Illumina
Classification: Benign for Tangier disease. Last evaluated: 2018-01-12. Review status: criteria provided, single submitter. Criteria: ICSL Variant Classification Criteria 13 December 2019. Collection method: clinical testing. Allele origin: germline.
Comment: the same text as in the submission from Illumina Laboratory Services, Illumina above.

Breakthrough Genomics
Classification: Benign. Review status: criteria provided, single submitter. Criteria: ACMG Guidelines, 2015. Collection method: not provided. Allele origin: germline. Inheritance: Autosomal recessive inheritance. Affected: yes.